The following is an entry in ClinVar:

NM_001377.3(DYNC2H1):c.5164A>C (p.Lys1722Gln)

Gene: DYNC2H1 (dynein cytoplasmic 2 heavy chain 1; plus strand). Cytogenetic location: 11q22.3.
Variant type: single nucleotide variant.
Coding change: c.5164A>C on transcript NM_001377.3 (MANE Select); coding-DNA position 5164, A replaced by C.
Protein change: p.Lys1722Gln; replaces lysine 1722 with glutamine.
Molecular consequence: missense variant.
Genome position (GRCh38, 1-based): chr11:103,170,898, A>C. VCF-style: chr11-103170898-A-C. GRCh37 (hg19) VCF-style: chr11-103041627-A-C.
Other names: c.5164A>C, p.Lys1722Gln (NM_001080463.2); c.5164A>C (NM_001080463.1); short protein forms K1722Q.
Identifiers: ClinVar variation 4763800 (VCV004763800.2).
Genomic context (GRCh38, chr11:103,170,898, plus strand): 5'-GATTTTGATTATTTTTTAATGACTATAATTTTTATTGTTGTTTTTAAGGGCATCGATGTG[A>C]AGTCAATGGGACGAATATTTGTTGGTTTGGTGAAGTGTGGGGCCTGGGGTTGTTTTGATG-3'
Protein context (NP_001368.2, residues 1712-1732): VFNCDEGIDV[Lys1722Gln]SMGRIFVGLV

ClinVar aggregate classification (germline): Uncertain significance. Review status: criteria provided, multiple submitters, no conflicts (2 of 4 stars). 2 submissions from 2 submitters: Uncertain significance (2). Last evaluated 2025-12-02.

Conditions:
Jeune thoracic dystrophy. Also called: Jeune syndrome; Infantile thoracic dystrophy; Thoracic pelvic phalangeal dystrophy; Jeune's syndrome; Chondroectodermal dysplasia-like syndrome; Short-rib thoracic dysplasia. Identifiers: Orphanet 474, MedGen C0265275, MONDO:0018770.
DYNC2H1-related disorder. Also called: DYNC2H1-related condition; DYNC2H1-related disorders. Identifiers: MedGen CN378770.

gnomAD v4.1: 7 of 1,539,908 alleles (0.00045%); highest among the groups gnomAD compares: Non-Finnish European, 0.00053%; no homozygotes.

Submissions (2):

Labcorp Genetics (formerly Invitae), Labcorp
Classification: Uncertain significance for Jeune thoracic dystrophy. Last evaluated: 2025-12-02. Review status: criteria provided, single submitter. Criteria: Invitae Variant Classification Sherloc (09022015). Collection method: clinical testing. Allele origin: germline.
Comment: This sequence change replaces lysine, which is basic and polar, with glutamine, which is neutral and polar, at codon 1722 of the DYNC2H1 protein (p.Lys1722Gln). This variant is not present in population databases (gnomAD no frequency). This variant has not been reported in the literature in individuals affected with DYNC2H1-related conditions. Invitae Evidence Modeling of protein sequence and biophysical properties (such as structural, functional, and spatial information, amino acid conservation, physicochemical variation, residue mobility, and thermodynamic stability) has been performed for this missense variant. However, the output from this modeling did not meet the statistical confidence thresholds required to predict the impact of this variant on DYNC2H1 protein function. In summary, the available evidence is currently insufficient to determine the role of this variant in disease. Therefore, it has been classified as a Variant of Uncertain Significance.

PreventionGenetics, part of Exact Sciences
Classification: Uncertain significance for DYNC2H1-related condition. Last evaluated: 2025-06-02. Review status: criteria provided, single submitter. Criteria: ACMG Guidelines, 2015. Collection method: clinical testing. Allele origin: germline.
Comment: The DYNC2H1 c.5164A>C variant is predicted to result in the amino acid substitution p.Lys1722Gln. To our knowledge, this variant has not been reported in the literature or in a large population database (gnomAD), indicating this variant is rare. At this time, the clinical significance of this variant is uncertain due to the absence of conclusive functional and genetic evidence.